The following is an entry in ClinVar:

ClinVar aggregate classification (germline): Uncertain significance (1 of 4 stars; one submission).

Conditions:
COG7 congenital disorder of glycosylation (CDG2E). Also called: CONGENITAL DISORDER OF GLYCOSYLATION, TYPE IIe; CDG IIe. Identifiers: Orphanet 79333, MedGen C2931010, MONDO:0012118, OMIM 608779.

Allele frequency attached by ClinVar (database versions not stated): gnomAD 0.00001; ExAC 0.00002; TOPMed 0.00002.
gnomAD v4.1: 46 of 1,613,968 alleles (0.0029%); highest among the groups gnomAD compares: Admixed American, 0.0083%; no homozygotes.

Submission:

Labcorp Genetics (formerly Invitae), Labcorp
Classification: Uncertain significance for COG7 congenital disorder of glycosylation. Last evaluated: 2022-09-13. Review status: criteria provided, single submitter. Criteria: Invitae Variant Classification Sherloc (09022015). Collection method: clinical testing. Allele origin: germline.
Comment: This sequence change replaces serine, which is neutral and polar, with phenylalanine, which is neutral and non-polar, at codon 25 of the COG7 protein (p.Ser25Phe). This variant is present in population databases (rs752403903, gnomAD 0.006%). This variant has not been reported in the literature in individuals affected with COG7-related conditions. Advanced modeling of protein sequence and biophysical properties (such as structural, functional, and spatial information, amino acid conservation, physicochemical variation, residue mobility, and thermodynamic stability) performed at Invitae indicates that this missense variant is not expected to disrupt COG7 protein function. In summary, the available evidence is currently insufficient to determine the role of this variant in disease. Therefore, it has been classified as a Variant of Uncertain Significance.

NM_153603.4(COG7):c.74C>T (p.Ser25Phe)

Genes: COG7 (component of oligomeric golgi complex 7; minus strand), LOC130058658 (ATAC-STARR-seq lymphoblastoid active region 10580; plus strand). Cytogenetic location: 16p12.2.
Variant type: single nucleotide variant.
Coding change: c.74C>T on transcript NM_153603.4 (MANE Select); coding-DNA position 74, C replaced by T.
Protein change: p.Ser25Phe; replaces serine 25 with phenylalanine.
Molecular consequence: missense variant.
Genome position (GRCh38, 1-based): chr16:23,452,921, G>A on the plus strand (C>T on the coding strand, the complement: COG7 is on the minus strand). VCF-style: chr16-23452921-G-A. GRCh37 (hg19) VCF-style: chr16-23464242-G-A.
Other names: short protein forms S25F.
Identifiers: ClinVar variation 2148499 (VCV002148499.1), dbSNP rs752403903, ClinGen allele CA7961428.